The following is an entry in ClinVar:

NM_002087.4(GRN):c.1595C>A (p.Thr532Asn)

Gene: GRN (granulin precursor; plus strand). Cytogenetic location: 17q21.31.
Variant type: single nucleotide variant.
Coding change: c.1595C>A on transcript NM_002087.4 (MANE Select); coding-DNA position 1595, C replaced by A.
Protein change: p.Thr532Asn; replaces threonine 532 with asparagine.
Molecular consequence: missense variant.
Genome position (GRCh38, 1-based): chr17:44,352,522, C>A. VCF-style: chr17-44352522-C-A. GRCh37 (hg19) VCF-style: chr17-42429890-C-A.
Other names: short protein forms T532N.
Identifiers: ClinVar variation 1982716 (VCV001982716.4), dbSNP rs1294692955, ClinGen allele CA399770605.

ClinVar aggregate classification (germline): Uncertain significance (1 of 4 stars; one submission).

Conditions:
Neuronal ceroid lipofuscinosis 11. Also called: GRN-Related Neuronal Ceroid-Lipofuscinosis. Identifiers: Orphanet 314629, Orphanet 79262, MedGen C3539123, MONDO:0013866, OMIM 614706.
GRN-related frontotemporal lobar degeneration with Tdp43 inclusions (FTD2). Also called: GRN Frontotemporal Dementia; FRONTOTEMPORAL DEMENTIA WITH TDP43 INCLUSIONS, GRN-RELATED; DEMENTIA, HEREDITARY DYSPHASIC DISINHIBITION; FRONTOTEMPORAL LOBAR DEGENERATION WITH UBIQUITIN-POSITIVE INCLUSIONS; FTLD-TDP, GRN-RELATED. Identifiers: Orphanet 100070, Orphanet 282, MedGen C1843792, MONDO:0011842, OMIM 607485. Disease mechanism: loss of function.

gnomAD v4.1: 4 of 1,614,026 alleles (0.00025%); highest among the groups gnomAD compares: Admixed American, 0.0017%; no homozygotes.

Submission:

Labcorp Genetics (formerly Invitae), Labcorp
Classification: Uncertain significance for Neuronal ceroid lipofuscinosis 11; GRN-related frontotemporal lobar degeneration with Tdp43 inclusions. Last evaluated: 2023-07-31. Review status: criteria provided, single submitter. Criteria: Invitae Variant Classification Sherloc (09022015). Collection method: clinical testing. Allele origin: germline.
Comment: In summary, the available evidence is currently insufficient to determine the role of this variant in disease. Therefore, it has been classified as a Variant of Uncertain Significance. Advanced modeling of protein sequence and biophysical properties (such as structural, functional, and spatial information, amino acid conservation, physicochemical variation, residue mobility, and thermodynamic stability) performed at Invitae indicates that this missense variant is expected to disrupt GRN protein function. ClinVar contains an entry for this variant (Variation ID: 1982716). This variant has not been reported in the literature in individuals affected with GRN-related conditions. This variant is present in population databases (no rsID available, gnomAD 0.003%). This sequence change replaces threonine, which is neutral and polar, with asparagine, which is neutral and polar, at codon 532 of the GRN protein (p.Thr532Asn).